The following is an entry in ClinVar:

NM_001033855.3(DCLRE1C):c.556G>C (p.Val186Leu)

Gene: DCLRE1C (DNA cross-link repair 1C; minus strand). Cytogenetic location: 10p13.
Variant type: single nucleotide variant.
Coding change: c.556G>C on transcript NM_001033855.3 (MANE Select); coding-DNA position 556, G replaced by C.
Protein change: p.Val186Leu; replaces valine 186 with leucine.
Molecular consequence: missense variant. On other transcripts: non-coding transcript variant (4).
Genome position (GRCh38, 1-based): chr10:14,934,502, C>G on the plus strand (G>C on the coding strand, the complement: DCLRE1C is on the minus strand). VCF-style: chr10-14934502-C-G. GRCh37 (hg19) VCF-style: chr10-14976501-C-G.
Other names: NM_001033855.3(DCLRE1C):c.556G>C; p.Val186Leu; c.196G>C, p.Val66Leu (NM_001033857.3, NM_001033858.3, NM_001289077.2 and 2 more transcripts); c.211G>C, p.Val71Leu (NM_001289076.2, NM_001289078.2, NM_001350966.2 and 1 more transcripts); c.556G>C, p.Val186Leu (NM_001350965.2); short protein forms V186L, V71L, V66L.
Identifiers: ClinVar variation 791080 (VCV000791080.13), dbSNP rs141448396, ClinGen allele CA5416783.

ClinVar aggregate classification (germline): Likely benign. Review status: reviewed by expert panel (3 of 4 stars). 4 submissions from 4 submitters: Likely benign (1). 3 of the submissions do not count toward it. Last evaluated 2024-03-08.

Conditions:
Severe combined immunodeficiency due to DCLRE1C deficiency (RS-SCID). Also called: SCID, AUTOSOMAL RECESSIVE, T CELL-NEGATIVE, B CELL-NEGATIVE, NK CELL-POSITIVE, WITH SENSITIVITY TO IONIZING RADIATION. Identifiers: Orphanet 275, MedGen C1865371, MONDO:0011225, OMIM 602450.
Histiocytic medullary reticulosis. Also called: SEVERE COMBINED IMMUNODEFICIENCY WITH HYPEREOSINOPHILIA; Omenn syndrome. Identifiers: Orphanet 39041, MedGen C2700553, MONDO:0011338, OMIM 603554.

Allele frequency attached by ClinVar (database versions not stated): gnomAD exomes 0.00017 and 0.00006; TOPMed 0.00080; gnomAD 0.00059 and 0.00063; 1000 Genomes Project 30x 0.00094; ExAC 0.00018; ESP Exome Variant Server 0.00062; 1000 Genomes Project 0.00120.
gnomAD v4.1: 178 of 1,614,196 alleles (0.011%); highest among the groups gnomAD compares: African/African-American, 0.21%; no homozygotes.

Submissions (4):

ClinGen Severe Combined Immunodeficiency Variant Curation Expert Panel, ClinGen
Classification: Likely benign for Severe combined immunodeficiency due to DCLRE1C deficiency. Last evaluated: 2024-03-08. Review status: reviewed by expert panel. Criteria: ClinGen SCID ACMG Specifications DCLRE1C V1.0.0. Collection method: curation. Allele origin: germline. Inheritance: Autosomal recessive inheritance.
Comment: The c.556G>C (NM_001033855.3) variant in DCLRE1C is a missense variant predicted to cause a substitution of Valine by Leucine at amino acid 186 (p.Val186Leu). The filtering allele frequency (the lower threshold of the 95% CI of 160/75040) of the c.556G>C variant in DCLRE1C is 0.001831 for African/African American chromosomes by gnomAD v4, which is higher than the ClinGen SCID VCEP threshold (>0.00078) for BS1, and therefore meets this criterion (BS1). No homozygotes have been reported. To our knowledge, this variant has not been reported in the literature in individuals affected with SCID/DCLRE1C-related conditions or in functional studies. In summary, this variant meets the criteria to be classified as Likely Benign for autosomal recessive severe combined immunodeficiency due to DCLRE1C deficiency based on the ACMG/AMP criteria applied: BS1, as specified by the ClinGen SCID VCEP (VCEP specifications version 1).

Labcorp Genetics (formerly Invitae), Labcorp
Classification: Likely benign for Athabaskan severe combined immunodeficiency. Last evaluated: 2026-01-19. Review status: criteria provided, single submitter. Criteria: Invitae Variant Classification Sherloc (09022015). Collection method: clinical testing. Allele origin: germline. Not counted in ClinVar's aggregate classification.

Breakthrough Genomics
Classification: Likely benign. Review status: criteria provided, single submitter. Criteria: ACMG Guidelines, 2015. Collection method: not provided. Allele origin: germline. Inheritance: Autosomal recessive inheritance. Affected: yes. Not counted in ClinVar's aggregate classification.

Natera, Inc.
Classification: Uncertain significance for Omenn syndrome. Last evaluated: 2020-04-13. Review status: no assertion criteria provided. Collection method: clinical testing. Allele origin: germline. Not counted in ClinVar's aggregate classification.